The following is an entry in ClinVar:

NM_022788.5(P2RY12):c.873A>G (p.Ala291=)

Genes: P2RY12 (purinergic receptor P2Y12; minus strand), MED12L (mediator complex subunit 12L; plus strand). Cytogenetic location: 3q25.1.
Variant type: single nucleotide variant.
Coding change: c.873A>G on transcript NM_022788.5 (MANE Select); coding-DNA position 873, A replaced by G.
Protein change: p.Ala291=; no amino-acid change (alanine 291 retained).
Molecular consequence: synonymous variant. On other transcripts: intron variant (2).
Genome position (GRCh38, 1-based): chr3:151,337,973, T>C on the plus strand (A>G on the coding strand, the complement: P2RY12 is on the minus strand). VCF-style: chr3-151337973-T-C. GRCh37 (hg19) VCF-style: chr3-151055761-T-C.
Other names: c.873A>G, p.Ala291= (NM_176876.3); c.2251-12086T>C (NM_001393769.1); c.2146-12086T>C (NM_053002.6).
Identifiers: ClinVar variation 3669400 (VCV003669400.4).

ClinVar aggregate classification (germline): Likely benign. Review status: criteria provided, multiple submitters, no conflicts (2 of 4 stars). 3 submissions from 3 submitters: Likely benign (3). Last evaluated 2026-09-03.

Conditions:
P2RY12-related disorder. Also called: P2RY12-related condition.

gnomAD v4.1: 70 of 1,613,982 alleles (0.0043%); highest among the groups gnomAD compares: Admixed American, 0.0083%; no homozygotes.

Submissions (3):

PreventionGenetics, part of Exact Sciences
Classification: Likely benign for P2RY12-related condition. Last evaluated: 2026-09-03. Review status: criteria provided, single submitter. Criteria: ACMG Guidelines, 2015. Collection method: clinical testing. Allele origin: germline.
Comment: This variant is classified as likely benign based on ACMG/AMP sequence variant interpretation guidelines (Richards et al. 2015 PMID: 25741868, with internal and published modifications).

Women's Health and Genetics/Laboratory Corporation of America, LabCorp
Classification: Likely benign. Last evaluated: 2026-01-19. Review status: criteria provided, single submitter. Criteria: LabCorp Variant Classification Summary - May 2015. Collection method: clinical testing. Allele origin: germline.

Labcorp Genetics (formerly Invitae), Labcorp
Classification: Likely benign. Last evaluated: 2025-06-10. Review status: criteria provided, single submitter. Criteria: Invitae Variant Classification Sherloc (09022015). Collection method: clinical testing. Allele origin: germline.